The following is an entry in ClinVar:

ClinVar aggregate classification (germline): Uncertain significance. Review status: criteria provided, multiple submitters, no conflicts (2 of 4 stars). 2 submissions from 2 submitters: Uncertain significance (2). Last evaluated 2021-08-27.

Allele frequency attached by ClinVar (database versions not stated): gnomAD exomes below 0.00001 and 0.00001; gnomAD 0.00001; TOPMed 0.00002; ESP Exome Variant Server 0.00008.
gnomAD v4.1: 13 of 1,614,100 alleles (0.00081%); highest among the groups gnomAD compares: Middle Eastern, 0.016%; no homozygotes.

Submissions (2):

Labcorp Genetics (formerly Invitae), Labcorp
Classification: Uncertain significance. Last evaluated: 2021-08-27. Review status: criteria provided, single submitter. Criteria: Invitae Variant Classification Sherloc (09022015). Collection method: clinical testing. Allele origin: germline.
Comment: This sequence change replaces arginine with histidine at codon 19 of the RLBP1 protein (p.Arg19His). The arginine residue is moderately conserved and there is a small physicochemical difference between arginine and histidine. This variant is not present in population databases (ExAC no frequency). This variant has not been reported in the literature in individuals affected with RLBP1-related conditions. Algorithms developed to predict the effect of missense changes on protein structure and function output the following: SIFT: "Deleterious"; PolyPhen-2: "Benign"; Align-GVGD: "Class C0". The histidine amino acid residue is found in multiple mammalian species, which suggests that this missense change does not adversely affect protein function. In summary, the available evidence is currently insufficient to determine the role of this variant in disease. Therefore, it has been classified as a Variant of Uncertain Significance.

Blueprint Genetics
Classification: Uncertain significance. Last evaluated: 2019-10-31. Review status: criteria provided, single submitter. Criteria: ACMG Guidelines, 2015. Collection method: clinical testing. Allele origin: germline.

NM_000326.5(RLBP1):c.56G>A (p.Arg19His)

Gene: RLBP1 (retinaldehyde binding protein 1; minus strand). Cytogenetic location: 15q26.1.
Variant type: single nucleotide variant.
Coding change: c.56G>A on transcript NM_000326.5 (MANE Select); coding-DNA position 56, G replaced by A.
Protein change: p.Arg19His; replaces arginine 19 with histidine.
Molecular consequence: missense variant.
Genome position (GRCh38, 1-based): chr15:89,218,650, C>T on the plus strand (G>A on the coding strand, the complement: RLBP1 is on the minus strand). VCF-style: chr15-89218650-C-T. GRCh37 (hg19) VCF-style: chr15-89761881-C-T.
Other names: short protein forms R19H.
Identifiers: ClinVar variation 1014762 (VCV001014762.7), dbSNP rs375609386, ClinGen allele CA274536585.